The following is an entry in ClinVar:

NM_002529.4(NTRK1):c.838G>T (p.Val280Phe)

Gene: NTRK1 (neurotrophic receptor tyrosine kinase 1; plus strand). Cytogenetic location: 1q23.1.
Variant type: single nucleotide variant.
Coding change: c.838G>T on transcript NM_002529.4 (MANE Select); coding-DNA position 838, G replaced by T.
Protein change: p.Val280Phe; replaces valine 280 with phenylalanine.
Molecular consequence: missense variant.
Genome position (GRCh38, 1-based): chr1:156,871,743, G>T. VCF-style: chr1-156871743-G-T. GRCh37 (hg19) VCF-style: chr1-156841535-G-T.
Other names: c.748G>T, p.Val250Phe (NM_001007792.1); c.838G>T, p.Val280Phe (NM_001012331.2); short protein forms V250F, V280F.
Identifiers: ClinVar variation 965609 (VCV000965609.7), dbSNP rs1381464469, ClinGen allele CA342935264.

ClinVar aggregate classification (germline): Uncertain significance (1 of 4 stars; one submission).

Conditions:
Hereditary insensitivity to pain with anhidrosis (CIPA). Also called: NEUROPATHY, CONGENITAL SENSORY, WITH ANHIDROSIS; hereditary sensory and autonomic neuropathy type 4; INSENSITIVITY TO PAIN, CONGENITAL, WITH ANHIDROSIS; HSAN Type IV; FAMILIAL DYSAUTONOMIA, TYPE II; NTRK1 Congenital Insensitivity to Pain with Anhidrosis. Identifiers: Orphanet 642, MedGen C0020074, MONDO:0009746, OMIM 256800.

gnomAD v4.1: 1 of 1,614,160 alleles (0.000062%); highest among the groups gnomAD compares: Non-Finnish European, 0.000085%; no homozygotes.

Submission:

Labcorp Genetics (formerly Invitae), Labcorp
Classification: Uncertain significance for Hereditary insensitivity to pain with anhidrosis. Last evaluated: 2019-10-02. Review status: criteria provided, single submitter. Criteria: Invitae Variant Classification Sherloc (09022015). Collection method: clinical testing. Allele origin: germline.
Comment: In summary, the available evidence is currently insufficient to determine the role of this variant in disease. Therefore, it has been classified as a Variant of Uncertain Significance. Algorithms developed to predict the effect of missense changes on protein structure and function are either unavailable or do not agree on the potential impact of this missense change (SIFT: "Deleterious"; PolyPhen-2: "Possibly Damaging"; Align-GVGD: "Class C0"). This variant has not been reported in the literature in individuals with NTRK1-related conditions. This variant is not present in population databases (ExAC no frequency). This sequence change replaces valine with phenylalanine at codon 280 of the NTRK1 protein (p.Val280Phe). The valine residue is moderately conserved and there is a small physicochemical difference between valine and phenylalanine.